The following is an entry in ClinVar:

NM_020928.2(ZSWIM6):c.2365G>A (p.Ala789Thr)

Gene: ZSWIM6 (zinc finger SWIM-type containing 6; plus strand). Cytogenetic location: 5q12.1.
Variant type: single nucleotide variant.
Coding change: c.2365G>A on transcript NM_020928.2 (MANE Select); coding-DNA position 2365, G replaced by A.
Protein change: p.Ala789Thr; replaces alanine 789 with threonine.
Molecular consequence: missense variant.
Genome position (GRCh38, 1-based): chr5:61,535,603, G>A. VCF-style: chr5-61535603-G-A. GRCh37 (hg19) VCF-style: chr5-60831430-G-A.
Other names: short protein forms A789T.
Identifiers: ClinVar variation 1952949 (VCV001952949.5), dbSNP rs534037657, ClinGen allele CA119663434.

ClinVar aggregate classification (germline): Uncertain significance (1 of 4 stars; one submission).

Allele frequency attached by ClinVar (database versions not stated): gnomAD 0.00001; TOPMed 0.00001; 1000 Genomes Project 0.00020; 1000 Genomes Project 30x 0.00031.
gnomAD v4.1: 4 of 1,551,196 alleles (0.00026%); highest among the groups gnomAD compares: Admixed American, 0.0059%; no homozygotes.

Submission:

Labcorp Genetics (formerly Invitae), Labcorp
Classification: Uncertain significance. Last evaluated: 2022-09-01. Review status: criteria provided, single submitter. Criteria: Invitae Variant Classification Sherloc (09022015). Collection method: clinical testing. Allele origin: germline.
Comment: In summary, the available evidence is currently insufficient to determine the role of this variant in disease. Therefore, it has been classified as a Variant of Uncertain Significance. Algorithms developed to predict the effect of missense changes on protein structure and function are either unavailable or do not agree on the potential impact of this missense change (SIFT: "Deleterious"; PolyPhen-2: "Benign"; Align-GVGD: "Class C0"). This variant has not been reported in the literature in individuals affected with ZSWIM6-related conditions. This variant is not present in population databases (gnomAD no frequency). This sequence change replaces alanine, which is neutral and non-polar, with threonine, which is neutral and polar, at codon 789 of the ZSWIM6 protein (p.Ala789Thr).